The following is an entry in ClinVar:

NM_001005242.3(PKP2):c.586C>T (p.Arg196Cys)

Gene: PKP2 (plakophilin 2; minus strand). Cytogenetic location: 12p11.21.
Variant type: single nucleotide variant.
Coding change: c.586C>T on transcript NM_001005242.3 (MANE Select); coding-DNA position 586, C replaced by T.
Protein change: p.Arg196Cys; replaces arginine 196 with cysteine.
Molecular consequence: missense variant.
Genome position (GRCh38, 1-based): chr12:32,878,294, G>A on the plus strand (C>T on the coding strand, the complement: PKP2 is on the minus strand). VCF-style: chr12-32878294-G-A. GRCh37 (hg19) VCF-style: chr12-33031228-G-A.
Other names: c.586C>T, p.Arg196Cys (NM_004572.4); short protein forms R196C.
Identifiers: ClinVar variation 201975 (VCV000201975.13), dbSNP rs748957791, ClinGen allele CA012402.

ClinVar aggregate classification (germline): Uncertain significance. Review status: criteria provided, multiple submitters, no conflicts (2 of 4 stars). 4 submissions from 4 submitters: Uncertain significance (4). Last evaluated 2025-12-24.

Conditions:
Cardiovascular phenotype. Identifiers: MedGen CN230736.
Arrhythmogenic right ventricular cardiomyopathy (ARVD). Also called: Arrhythmogenic cardiomyopathy; Arrhythmogenic Right Ventricular Cardiomyopathy (ARVC); Cardiomyopathy, ARVC; Arrhythmogenic right ventricular dysplasia. Identifiers: Orphanet 247, MedGen C0349788, MeSH D019571, MONDO:0016587. Disease mechanism: loss of function. Inheritance: Various modes of inheritance.
Cardiomyopathy (CMYO). Also called: Cardiomyopathies. Identifiers: Orphanet 167848, MedGen C0878544, MONDO:0004994, HP:0001638. Inheritance: Various modes of inheritance.
Arrhythmogenic right ventricular dysplasia 9 (ARVD9). Also called: Arrhythmogenic Right Ventricular Dysplasia/Cardiomyopathy 9; ARRHYTHMOGENIC RIGHT VENTRICULAR DYSPLASIA, FAMILIAL, 9. Identifiers: MedGen C1836906, MONDO:0012180, OMIM 609040.

Allele frequency attached by ClinVar (database versions not stated): gnomAD below 0.00001 and 0.00001; gnomAD exomes 0.00001; ExAC 0.00002.
gnomAD v4.1: 8 of 1,613,584 alleles (0.0005%); highest among the groups gnomAD compares: South Asian, 0.0055%; no homozygotes.

Submissions (4):

Labcorp Genetics (formerly Invitae), Labcorp
Classification: Uncertain significance for Arrhythmogenic right ventricular dysplasia 9. Last evaluated: 2025-12-24. Review status: criteria provided, single submitter. Criteria: Invitae Variant Classification Sherloc (09022015). Collection method: clinical testing. Allele origin: germline.
Comment: This sequence change replaces arginine, which is basic and polar, with cysteine, which is neutral and slightly polar, at codon 196 of the PKP2 protein (p.Arg196Cys). This variant is present in population databases (rs748957791, gnomAD 0.006%). This variant has not been reported in the literature in individuals affected with PKP2-related conditions. ClinVar contains an entry for this variant (Variation ID: 201975). An algorithm developed to predict the effect of missense changes on protein structure and function (PolyPhen-2) suggests that this variant is likely to be disruptive. In summary, the available evidence is currently insufficient to determine the role of this variant in disease. Therefore, it has been classified as a Variant of Uncertain Significance.

All of Us Research Program, National Institutes of Health
Classification: Uncertain significance for Arrhythmogenic right ventricular cardiomyopathy. Last evaluated: 2024-07-10. Review status: criteria provided, single submitter. Criteria: ACMG Guidelines, 2015. Collection method: clinical testing. Allele origin: germline. Inheritance: Autosomal dominant inheritance. Observed: 1 variant allele, 1 heterozygote.
Comment: This missense variant replaces arginine with cysteine at codon 196 of the PKP2 protein. Computational prediction tools and conservation analyses are inconclusive regarding the impact of this variant on the protein function. Computational splicing tools suggest that this variant may not impact RNA splicing. To our knowledge, functional assays have not been performed for this variant nor has this variant been reported in individuals affected with cardiovascular disorders in the literature. This variant has been identified in 3/251128 chromosomes in the general population by the Genome Aggregation Database (gnomAD). Available evidence is insufficient to determine the role of this variant in disease conclusively. Therefore, this variant is classified as a Variant of Uncertain Significance.

This study involves interpretation of variants in research participants for the purpose of population health screening. Participant phenotype was not available at the time of variant classification. Additional details can be found in publication PMID: 35346344, PMCID: PMC8962531

Color Diagnostics, LLC DBA Color Health
Classification: Uncertain significance for Cardiomyopathy. Last evaluated: 2024-06-20. Review status: criteria provided, single submitter. Criteria: ACMG Guidelines, 2015. Collection method: clinical testing. Allele origin: germline.
Comment: This missense variant replaces arginine with cysteine at codon 196 of the PKP2 protein. Computational prediction is inconclusive regarding the impact of this variant on protein structure and function (internally defined REVEL score threshold 0.5 < inconclusive < 0.7, PMID: 27666373). To our knowledge, functional studies have not been reported for this variant. This variant has not been reported in individuals affected with PKP2-related disorders in the literature. This variant has been identified in 3/251128 chromosomes in the general population by the Genome Aggregation Database (gnomAD). The available evidence is insufficient to determine the role of this variant in disease conclusively. Therefore, this variant is classified as a Variant of Uncertain Significance.

Ambry Genetics
Classification: Uncertain significance for Cardiovascular phenotype. Last evaluated: 2023-12-15. Review status: criteria provided, single submitter. Criteria: Ambry Variant Classification Scheme 2023. Collection method: clinical testing. Allele origin: germline.
Comment: The p.R196C variant (also known as c.586C>T), located in coding exon 3 of the PKP2 gene, results from a C to T substitution at nucleotide position 586. The arginine at codon 196 is replaced by cysteine, an amino acid with highly dissimilar properties. This alteration has been reported in a sudden death cohort (Campuzano O et al. Sports Med, 2017 Oct;47:2101-2115). This amino acid position is highly conserved in available vertebrate species. In addition, the in silico prediction for this alteration is inconclusive. Since supporting evidence is limited at this time, the clinical significance of this alteration remains unclear.

Literature cited by the submitters: PubMed 28255936 (cited by Ambry Genetics).